The following is an entry in ClinVar:

NM_001918.5(DBT):c.21G>A (p.Leu7=)

Gene: DBT (dihydrolipoamide branched chain transacylase E2; minus strand). Cytogenetic location: 1p21.2.
Variant type: single nucleotide variant.
Coding change: c.21G>A on transcript NM_001918.5 (MANE Select); coding-DNA position 21, G replaced by A.
Protein change: p.Leu7=; no amino-acid change (leucine 7 retained).
Molecular consequence: synonymous variant. On other transcripts: 5 prime UTR variant (2), non-coding transcript variant (4).
Genome position (GRCh38, 1-based): chr1:100,249,800, C>T on the plus strand (G>A on the coding strand, the complement: DBT is on the minus strand). VCF-style: chr1-100249800-C-T. GRCh37 (hg19) VCF-style: chr1-100715356-C-T.
Other names: c.-583G>A (NM_001399972.1); c.-710G>A (NM_001399969.1).
Identifiers: ClinVar variation 4681697 (VCV004681697.5).
Genomic context (GRCh38, chr1:100,249,800, plus strand): 5'-CCGGCCTCAGATCTGCCCAAACGTGCTTACCAGCTTCCCCGCATTCCTGCTCCAGGTTCT[C>T]AGCATACGGACTGCAGCCATCTTACCCCGGAAATGACAACAGTGCCGCAAACTGGAGAGA-3'
Protein context (NP_001909.4, residues 1-17): MAAVRM[Leu7=]RTWSRNAGKL

ClinVar aggregate classification (germline): Likely benign (1 of 4 stars; one submission).

Submission:

CeGaT Center for Human Genetics Tuebingen
Classification: Likely benign. Last evaluated: 2025-12-01. Review status: criteria provided, single submitter. Criteria: CeGaT Center For Human Genetics Tuebingen Variant Classification Criteria Version 2. Collection method: clinical testing. Allele origin: germline. Affected: yes. Observed: 1 variant allele.
Comment: DBT: PM2:Supporting, BP4, BP7